The following is an entry in ClinVar:

NM_001267550.2(TTN):c.57037C>T (p.Leu19013=)

Genes: TTN-AS1 (TTN antisense RNA 1; plus strand), TTN (titin; minus strand). Cytogenetic location: 2q31.2.
Variant type: single nucleotide variant.
Coding change: c.57037C>T on transcript NM_001267550.2 (MANE Select); coding-DNA position 57037, C replaced by T.
Protein change: p.Leu19013=; no amino-acid change (leucine 19013 retained).
Molecular consequence: synonymous variant. On other transcripts: non-coding transcript variant (1).
Genome position (GRCh38, 1-based): chr2:178,598,580, G>A on the plus strand (C>T on the coding strand, the complement: TTN is on the minus strand). VCF-style: chr2-178598580-G-A. GRCh37 (hg19) VCF-style: chr2-179463307-G-A.
Other names: c.52114C>T, p.Leu17372= (NM_001256850.1); c.29842C>T, p.Leu9948= (NM_003319.4); c.49333C>T, p.Leu16445= (NM_133378.4); c.30217C>T, p.Leu10073= (NM_133432.3); c.30418C>T, p.Leu10140= (NM_133437.4); c.57037C>T (NM_001267550.1).
Identifiers: ClinVar variation 1154243 (VCV001154243.10), dbSNP rs1163783293, ClinGen allele CA430099294.
Genomic context (GRCh38, chr2:178,598,580, plus strand): 5'-CTTTTCCTTCTTCTTTATATTCAACGATGTATCCAGTTACTTTGGATCCACCATCTTTTA[G>A]TGGGGGAGACCACTCCAGATCTGCAGATGATTTAGTCCAATCTGTCACTTTGGGAAATGG-3'
Protein context (NP_001254479.2, residues 19003-19023): SSADLEWSPP[Leu19013=]KDGGSKVTGY

ClinVar aggregate classification (germline): Likely benign. Review status: criteria provided, multiple submitters, no conflicts (2 of 4 stars). 2 submissions from 2 submitters: Likely benign (2). Last evaluated 2025-06-27.

Conditions:
Autosomal recessive limb-girdle muscular dystrophy type 2J (LGMDR10). Also called: MUSCULAR DYSTROPHY, LIMB-GIRDLE, AUTOSOMAL RECESSIVE 10; Limb-girdle muscular dystrophy, type 2J. Identifiers: Orphanet 140922, MedGen C1837342, MONDO:0012127, OMIM 608807.
Dilated cardiomyopathy 1G (CMD1G). Identifiers: Orphanet 154, MedGen C1858763, MONDO:0011400, OMIM 604145.

Submissions (2):

Athena Diagnostics
Classification: Likely benign. Last evaluated: 2025-06-27. Review status: criteria provided, single submitter. Criteria: Athena Diagnostics Criteria. Collection method: clinical testing. Allele origin: unknown.
Comment: Computational tools yielded predictions that this variant is unlikely to have an effect on normal RNA splicing. This nucleotide position exhibits low evolutionary conservation.

Labcorp Genetics (formerly Invitae), Labcorp
Classification: Likely benign for Dilated cardiomyopathy 1G; Autosomal recessive limb-girdle muscular dystrophy type 2J. Last evaluated: 2025-03-20. Review status: criteria provided, single submitter. Criteria: Invitae Variant Classification Sherloc (09022015). Collection method: clinical testing. Allele origin: germline.